The following is an entry in ClinVar:

ClinVar aggregate classification (germline): Uncertain significance (1 of 4 stars; one submission).

Conditions:
Neuropathy, hereditary sensory, type 2C. Also called: Hereditary sensory and autonomic neuropathy type IIC; KIF1A-Related HSAN2 (HSAN2C). Identifiers: Orphanet 970, MedGen C3280168, MONDO:0013634, OMIM 614213.
Hereditary spastic paraplegia 30. Identifiers: Orphanet 101010, MedGen C5235139, MONDO:0012476.
Intellectual disability, autosomal dominant 9 (NESCAVS). Also called: NESCAV SYNDROME; KIF1A-Related Neurodevelopmental Disorder. Identifiers: Orphanet 662367, MedGen C5393830, MONDO:0013656, OMIM 614255.

gnomAD v4.1: 3 of 1,612,574 alleles (0.00019%); highest among the groups gnomAD compares: Non-Finnish European, 0.00025%; no homozygotes.

Submission:

Labcorp Genetics (formerly Invitae), Labcorp
Classification: Uncertain significance for Hereditary spastic paraplegia 30; Neuropathy, hereditary sensory, type 2C; Intellectual disability, autosomal dominant 9. Last evaluated: 2023-09-25. Review status: criteria provided, single submitter. Criteria: Invitae Variant Classification Sherloc (09022015). Collection method: clinical testing. Allele origin: germline.
Comment: This sequence change replaces serine, which is neutral and polar, with arginine, which is basic and polar, at codon 1609 of the KIF1A protein (p.Ser1609Arg). This variant is not present in population databases (gnomAD no frequency). This variant has not been reported in the literature in individuals affected with KIF1A-related conditions. Advanced modeling of protein sequence and biophysical properties (such as structural, functional, and spatial information, amino acid conservation, physicochemical variation, residue mobility, and thermodynamic stability) performed at Invitae indicates that this missense variant is not expected to disrupt KIF1A protein function. In summary, the available evidence is currently insufficient to determine the role of this variant in disease. Therefore, it has been classified as a Variant of Uncertain Significance.

NM_001244008.2(KIF1A):c.5130C>G (p.Ser1710Arg)

Gene: KIF1A (kinesin family member 1A; minus strand). Cytogenetic location: 2q37.3.
Variant type: single nucleotide variant.
Coding change: c.5130C>G on transcript NM_001244008.2 (MANE Select); coding-DNA position 5130, C replaced by G.
Protein change: p.Ser1710Arg; replaces serine 1710 with arginine.
Molecular consequence: missense variant.
Genome position (GRCh38, 1-based): chr2:240,719,090, G>C on the plus strand (C>G on the coding strand, the complement: KIF1A is on the minus strand). VCF-style: chr2-240719090-G-C. GRCh37 (hg19) VCF-style: chr2-241658507-G-C.
Other names: c.4854C>G, p.Ser1618Arg (NM_001320705.2, NM_001379649.1); c.4881C>G, p.Ser1627Arg (NM_001330289.2); c.4929C>G, p.Ser1643Arg (NM_001330290.2, NM_001379648.1); c.5205C>G, p.Ser1735Arg (NM_001379631.1); c.5106C>G, p.Ser1702Arg (NM_001379632.1); c.5103C>G, p.Ser1701Arg (NM_001379633.1, NM_001379645.1); c.4956C>G, p.Ser1652Arg (NM_001379634.1); c.4953C>G, p.Ser1651Arg (NM_001379635.1, NM_001379646.1); and 7 more; short protein forms S1735R, S1608R, S1618R, S1627R, S1652R, S1701R, S1609R, S1617R.
Identifiers: ClinVar variation 2929543 (VCV002929543.3), dbSNP rs553465326, ClinGen allele CA351298240.